The following is an entry in ClinVar:

NM_006514.4(SCN10A):c.2090T>A (p.Leu697His)

Gene: SCN10A (sodium voltage-gated channel alpha subunit 10; minus strand). Cytogenetic location: 3p22.2.
Variant type: single nucleotide variant.
Coding change: c.2090T>A on transcript NM_006514.4 (MANE Select); coding-DNA position 2090, T replaced by A.
Protein change: p.Leu697His; replaces leucine 697 with histidine.
Molecular consequence: missense variant.
Genome position (GRCh38, 1-based): chr3:38,742,307, A>T on the plus strand (T>A on the coding strand, the complement: SCN10A is on the minus strand). VCF-style: chr3-38742307-A-T. GRCh37 (hg19) VCF-style: chr3-38783798-A-T.
Other names: c.2090T>A, p.Leu697His (NM_001293306.2); c.1796T>A, p.Leu599His (NM_001293307.2); short protein forms L697H, L599H.
Identifiers: ClinVar variation 1475035 (VCV001475035.8), dbSNP rs2126014930, ClinGen allele CA352164983.

ClinVar aggregate classification (germline): Uncertain significance (1 of 4 stars; one submission).

Conditions:
Brugada syndrome. Also called: Sudden unexpected nocturnal death syndrome; Sudden unexplained nocturnal death syndrome; Sudden Unexplained Death Syndrome; Sudden Unexplained Nocturnal Death Syndrome (SUNDS). Identifiers: Orphanet 130, MedGen C1142166, MONDO:0015263.

gnomAD v4.1: 1 of 1,612,186 alleles (0.000062%); highest among the groups gnomAD compares: African/African-American, 0.0013%; no homozygotes.

Submission:

Labcorp Genetics (formerly Invitae), Labcorp
Classification: Uncertain significance for Brugada syndrome. Last evaluated: 2021-06-19. Review status: criteria provided, single submitter. Criteria: Invitae Variant Classification Sherloc (09022015). Collection method: clinical testing. Allele origin: germline.
Comment: This sequence change replaces leucine with histidine at codon 697 of the SCN10A protein (p.Leu697His). The leucine residue is highly conserved and there is a moderate physicochemical difference between leucine and histidine. This variant is not present in population databases (ExAC no frequency). This variant has not been reported in the literature in individuals with SCN10A-related conditions. Advanced modeling of protein sequence and biophysical properties (such as structural, functional, and spatial information, amino acid conservation, physicochemical variation, residue mobility, and thermodynamic stability) performed at Invitae indicates that this missense variant is expected to disrupt SCN10A protein function. In summary, the available evidence is currently insufficient to determine the role of this variant in disease. Therefore, it has been classified as a Variant of Uncertain Significance.